The following is an entry in ClinVar:

NM_003560.4(PLA2G6):c.894+22T>G

Gene: PLA2G6 (phospholipase A2 group VI; minus strand). Cytogenetic location: 22q13.1.
Variant type: single nucleotide variant.
Coding change: c.894+22T>G on transcript NM_003560.4 (MANE Select); 22 bases into the intron after coding-DNA position 894, T replaced by G.
Molecular consequence: intron variant.
Genome position (GRCh38, 1-based): chr22:38,134,966, A>C on the plus strand (T>G on the coding strand, the complement: PLA2G6 is on the minus strand). VCF-style: chr22-38134966-A-C. GRCh37 (hg19) VCF-style: chr22-38530973-A-C.
Other names: c.216+22T>G (NM_001349868.2); c.894+22T>G (NM_001349866.2, NM_001199562.3, NM_001349865.2 and 2 more transcripts); c.360+22T>G (NM_001349869.2, NM_001349867.2).
Identifiers: ClinVar variation 3770893 (VCV003770893.13).

ClinVar aggregate classification (germline): Likely benign (1 of 4 stars; one submission).

Submission:

CeGaT Center for Human Genetics Tuebingen
Classification: Likely benign. Last evaluated: 2025-02-01. Review status: criteria provided, single submitter. Criteria: CeGaT Center For Human Genetics Tuebingen Variant Classification Criteria Version 2. Collection method: clinical testing. Allele origin: germline. Affected: yes. Observed: 1 variant allele.
Comment: ENSG00000279080: BS1